The following is an entry in ClinVar:

ClinVar aggregate classification (germline): Uncertain significance (1 of 4 stars; one submission).

Conditions:
Rhabdoid tumor predisposition syndrome 2 (RTPS2). Identifiers: Orphanet 231108, Orphanet 69077, MedGen C2750074, MONDO:0013224, OMIM 613325.

Submission:

Labcorp Genetics (formerly Invitae), Labcorp
Classification: Uncertain significance for Rhabdoid tumor predisposition syndrome 2. Last evaluated: 2021-11-24. Review status: criteria provided, single submitter. Criteria: Invitae Variant Classification Sherloc (09022015). Collection method: clinical testing. Allele origin: germline.
Comment: This sequence change replaces alanine, which is neutral and non-polar, with proline, which is neutral and non-polar, at codon 725 of the SMARCA4 protein (p.Ala725Pro). This variant is not present in population databases (gnomAD no frequency). This variant has not been reported in the literature in individuals affected with SMARCA4-related conditions. Algorithms developed to predict the effect of missense changes on protein structure and function are either unavailable or do not agree on the potential impact of this missense change (SIFT: "Deleterious"; PolyPhen-2: "Benign"; Align-GVGD: "Class C0"). In summary, the available evidence is currently insufficient to determine the role of this variant in disease. Therefore, it has been classified as a Variant of Uncertain Significance.

NM_003072.5(SMARCA4):c.2173G>C (p.Ala725Pro)

Gene: SMARCA4 (SWI/SNF related BAF chromatin remodeling complex subunit ATPase 4; plus strand). Cytogenetic location: 19p13.2.
Variant type: single nucleotide variant.
Coding change: c.2173G>C on transcript NM_003072.5 (MANE Select); coding-DNA position 2173, G replaced by C.
Protein change: p.Ala725Pro; replaces alanine 725 with proline.
Molecular consequence: missense variant. On other transcripts: non-coding transcript variant (1).
Genome position (GRCh38, 1-based): chr19:11,010,430, G>C. VCF-style: chr19-11010430-G-C. GRCh37 (hg19) VCF-style: chr19-11121106-G-C.
Other names: c.2173G>C, p.Ala725Pro (NM_001128844.3, NM_001128845.2, NM_001128846.2 and 5 more transcripts); short protein forms A725P.
Identifiers: ClinVar variation 1361749 (VCV001361749.6), dbSNP rs2146235353, ClinGen allele CA404052760.